The following is an entry in ClinVar:

ClinVar aggregate classification (germline): Uncertain significance (0 of 4 stars; one submission).

Conditions:
PCNT-related disorder. Also called: PCNT-related condition.

gnomAD v4.1: 2 of 1,612,866 alleles (0.00012%); highest among the groups gnomAD compares: Admixed American, 0.0033%; no homozygotes.

Submission:

PreventionGenetics, part of Exact Sciences
Classification: Uncertain significance for PCNT-related condition. Last evaluated: 2024-01-23. Review status: no assertion criteria provided. Collection method: clinical testing. Allele origin: germline.
Comment: The PCNT c.5546T>G variant is predicted to result in the amino acid substitution p.Val1849Gly. To our knowledge, this variant has not been reported in the literature. This variant is reported in 0.0058% of alleles in individuals of Latino descent in gnomAD. At this time, the clinical significance of this variant is uncertain due to the absence of conclusive functional and genetic evidence.

NM_006031.6(PCNT):c.5546T>G (p.Val1849Gly)

Gene: PCNT (pericentrin; plus strand). Cytogenetic location: 21q22.3.
Variant type: single nucleotide variant.
Coding change: c.5546T>G on transcript NM_006031.6 (MANE Select); coding-DNA position 5546, T replaced by G.
Protein change: p.Val1849Gly; replaces valine 1849 with glycine.
Molecular consequence: missense variant.
Genome position (GRCh38, 1-based): chr21:46,411,619, T>G. VCF-style: chr21-46411619-T-G. GRCh37 (hg19) VCF-style: chr21-47831533-T-G.
Other names: c.5192T>G, p.Val1731Gly (NM_001315529.2); short protein forms V1731G, V1849G.
Identifiers: ClinVar variation 3355912 (VCV003355912.1).